The following is an entry in ClinVar:

NM_002769.5(PRSS1):c.373A>G (p.Thr125Ala)

Genes: TRB (T cell receptor beta locus; plus strand), PRSS1 (serine protease 1; plus strand). Cytogenetic location: 7q34.
Variant type: single nucleotide variant.
Coding change: c.373A>G on transcript NM_002769.5 (MANE Select); coding-DNA position 373, A replaced by G.
Protein change: p.Thr125Ala; replaces threonine 125 with alanine.
Molecular consequence: missense variant. On other transcripts: non-coding transcript variant (5).
Genome position (GRCh38, 1-based): chr7:142,751,946, A>G. VCF-style: chr7-142751946-A-G. GRCh37 (hg19) VCF-style: chr7-142459797-A-G.
Other names: short protein forms T125A.
Identifiers: ClinVar variation 2448231 (VCV002448231.4), dbSNP rs200976326, ClinGen allele CA4529938.

ClinVar aggregate classification (germline): Uncertain significance. Review status: criteria provided, multiple submitters, no conflicts (2 of 4 stars). 2 submissions from 2 submitters: Uncertain significance (2). Last evaluated 2025-11-13.

Conditions:
Hereditary pancreatitis (PCTT). Also called: Hereditary chronic pancreatitis; PRSS1-Related Hereditary Pancreatitis. Identifiers: Orphanet 676, MedGen C0238339, MONDO:0008185, OMIM 167800.

Allele frequency attached by ClinVar (database versions not stated): gnomAD exomes below 0.00001; ExAC 0.00007.
gnomAD v4.1: 3 of 1,614,020 alleles (0.00019%); highest among the groups gnomAD compares: Middle Eastern, 0.017%; no homozygotes.

Submissions (2):

Ambry Genetics
Classification: Uncertain significance for Hereditary pancreatitis. Last evaluated: 2025-11-13. Review status: criteria provided, single submitter. Criteria: Ambry Variant Classification Scheme 2023. Collection method: clinical testing. Allele origin: germline.
Comment: The p.T125A variant (also known as c.373A>G), located in coding exon 3 of the PRSS1 gene, results from an A to G substitution at nucleotide position 373. The threonine at codon 125 is replaced by alanine, an amino acid with similar properties. This amino acid position is conserved. In addition, this alteration is predicted to be tolerated by in silico analysis. Since supporting evidence is limited at this time, the clinical significance of this alteration remains unclear.

Labcorp Genetics (formerly Invitae), Labcorp
Classification: Uncertain significance for Hereditary pancreatitis. Last evaluated: 2025-08-12. Review status: criteria provided, single submitter. Criteria: Invitae Variant Classification Sherloc (09022015). Collection method: clinical testing. Allele origin: germline.
Comment: This sequence change replaces threonine, which is neutral and polar, with alanine, which is neutral and non-polar, at codon 125 of the PRSS1 protein (p.Thr125Ala). The frequency data for this variant in the population databases is considered unreliable, as metrics indicate poor data quality at this position in the gnomAD database. This variant has not been reported in the literature in individuals affected with PRSS1-related conditions. ClinVar contains an entry for this variant (Variation ID: 2448231). Invitae Evidence Modeling of protein sequence and biophysical properties (such as structural, functional, and spatial information, amino acid conservation, physicochemical variation, residue mobility, and thermodynamic stability) indicates that this missense variant is not expected to disrupt PRSS1 protein function with a negative predictive value of 80%. In summary, the available evidence is currently insufficient to determine the role of this variant in disease. Therefore, it has been classified as a Variant of Uncertain Significance.